The following is an entry in ClinVar:

ClinVar aggregate classification (germline): Uncertain significance. Review status: criteria provided, multiple submitters, no conflicts (2 of 4 stars). 2 submissions from 2 submitters: Uncertain significance (2). Last evaluated 2024-06-28.

Conditions:
Inborn genetic diseases. Identifiers: MedGen C0950123, MeSH D030342.
Koolen-de Vries syndrome (KDVS). Identifiers: Orphanet 96169, MedGen C1864871, MONDO:0012496, OMIM 610443.

Allele frequency attached by ClinVar (database versions not stated): gnomAD 0.00001; TOPMed 0.00001.
gnomAD v4.1: 3 of 1,613,732 alleles (0.00019%); highest among the groups gnomAD compares: East Asian, 0.0067%; no homozygotes.

Submissions (2):

Ambry Genetics
Classification: Uncertain significance for Inborn genetic diseases. Last evaluated: 2024-06-28. Review status: criteria provided, single submitter. Criteria: Ambry Variant Classification Scheme 2023. Collection method: clinical testing. Allele origin: germline.

Labcorp Genetics (formerly Invitae), Labcorp
Classification: Uncertain significance for Koolen-de Vries syndrome. Last evaluated: 2021-09-17. Review status: criteria provided, single submitter. Criteria: Invitae Variant Classification Sherloc (09022015). Collection method: clinical testing. Allele origin: germline.
Comment: Due to the possible presence of a polymorphic segmental duplication, the location of the variant could not be unambiguously resolved. Variants with ambiguous mapping are still reported relative to the KANSL1 transcript. This sequence change replaces threonine with alanine at codon 209 of the KANSL1 protein (p.Thr209Ala). The threonine residue is highly conserved and there is a small physicochemical difference between threonine and alanine. The frequency data for this variant in the population databases (ExAC) is considered unreliable due to the presence of homologous sequence, such as pseudogenes or paralogs, in the genome. This variant has not been reported in the literature in individuals with KANSL1-related conditions. ClinVar contains an entry for this variant (Variation ID: 650744). Algorithms developed to predict the effect of missense changes on protein structure and function are either unavailable or do not agree on the potential impact of this missense change (SIFT: "Tolerated"; PolyPhen-2: "Probably Damaging"; Align-GVGD: "Class C0"). Until the location of this sequence change can be resolved, the clinical significance of this variant remains uncertain. It has been classified as a Variant of Uncertain Significance.

NM_015443.4(KANSL1):c.625A>G (p.Thr209Ala)

Gene: KANSL1 (KAT8 regulatory NSL complex subunit 1). Cytogenetic location: 17q21.31.
Variant type: single nucleotide variant.
Coding change: c.625A>G on transcript NM_015443.4 (MANE Select); coding-DNA position 625, A replaced by G.
Protein change: p.Thr209Ala; replaces threonine 209 with alanine.
Molecular consequence: missense variant.
Genome position (GRCh38, 1-based): chr17:46,171,519, T>C on the plus strand (A>G on the coding strand, the complement: KANSL1 is on the minus strand). VCF-style: chr17-46171519-T-C. GRCh37 (hg19) VCF-style: chr17-44248885-T-C.
Other names: c.625A>G, p.Thr209Ala (NM_001193465.2, NM_001193466.2, NM_001379198.1); short protein forms T209A.
Identifiers: ClinVar variation 650744 (VCV000650744.7), dbSNP rs1301400639, ClinGen allele CA399981424.